The following is an entry in ClinVar:

ClinVar aggregate classification (germline): Conflicting classifications of pathogenicity. Review status: criteria provided, conflicting classifications (1 of 4 stars). 2 submissions from 2 submitters: Likely pathogenic (1); Uncertain significance (1). Last evaluated 2024-11-05.

Conditions:
Mucopolysaccharidosis, MPS-IV-A (MPS4A). Also called: Mucopolysaccharidosis Type IVA; MPS IVA; MORQUIO A DISEASE; Mucopolysaccharidosis type IV A; GALACTOSAMINE-6-SULFATASE DEFICIENCY; GALNS DEFICIENCY. Identifiers: Orphanet 309297, Orphanet 582, MedGen C0086651, MONDO:0009659, OMIM 253000.

Allele frequency attached by ClinVar (database versions not stated): gnomAD exomes below 0.00001; TOPMed 0.00001.
gnomAD v4.1: 7 of 1,613,040 alleles (0.00043%); highest among the groups gnomAD compares: Non-Finnish European, 0.00051%; no homozygotes.

Submissions (2):

Labcorp Genetics (formerly Invitae), Labcorp
Classification: Likely pathogenic for Mucopolysaccharidosis, MPS-IV-A. Last evaluated: 2024-11-05. Review status: criteria provided, single submitter. Criteria: Invitae Variant Classification Sherloc (09022015). Collection method: clinical testing. Allele origin: germline.
Comment: This sequence change falls in intron 1 of the GALNS gene. It does not directly change the encoded amino acid sequence of the GALNS protein. This variant is not present in population databases (gnomAD no frequency). This variant has been observed in individual(s) with Mucopolysaccharidosis type IVA (PMID: 35729508). ClinVar contains an entry for this variant (Variation ID: 916633). Algorithms developed to predict the effect of sequence changes on RNA splicing suggest that this variant may disrupt the consensus splice site. In summary, the currently available evidence indicates that the variant is pathogenic, but additional data are needed to prove that conclusively. Therefore, this variant has been classified as Likely Pathogenic.

Foundation for Research in Genetics and Endocrinology, FRIGE's Institute of Human Genetics
Classification: Uncertain significance for Mucopolysaccharidosis, MPS-IV-A. Review status: criteria provided, single submitter. Criteria: ACMG Guidelines, 2015. Collection method: clinical testing. Allele origin: germline. Inheritance: Autosomal recessive inheritance. Affected: yes. Observed: 1 homozygote.
Comment: A homozygous splice site variation in intron 1 of the GALNS gene was detected. The observed variant c.121-7C>G has not been reported in the 1000 genomes, gnomAD and ExAC databases. The in silico prediction of the variant is damaging by MutationTaster2. The reference codon is conserved across species. In summary, the variant meets our criteria to be classified as a variant of unknown significance.

Literature cited by the submitters: PubMed 35729508 (cited by Labcorp Genetics (formerly Invitae), Labcorp).

NM_000512.5(GALNS):c.121-7C>G

Gene: GALNS (galactosamine (N-acetyl)-6-sulfatase; minus strand). Cytogenetic location: 16q24.3.
Variant type: single nucleotide variant.
Coding change: c.121-7C>G on transcript NM_000512.5 (MANE Select); 7 bases into the intron before coding-DNA position 121, C replaced by G.
Molecular consequence: intron variant.
Genome position (GRCh38, 1-based): chr16:88,842,836, G>C on the plus strand (C>G on the coding strand, the complement: GALNS is on the minus strand). VCF-style: chr16-88842836-G-C. GRCh37 (hg19) VCF-style: chr16-88909244-G-C.
Other names: c.-311-865C>G (NM_001323543.2); c.139-7C>G (NM_001323544.2).
Identifiers: ClinVar variation 916633 (VCV000916633.6), dbSNP rs1004936255, ClinGen allele CA286406739.